The following is an entry in ClinVar:

ClinVar aggregate classification (germline): Conflicting classifications of pathogenicity. Review status: criteria provided, conflicting classifications (1 of 4 stars). 6 submissions from 6 submitters: Uncertain significance (1); Likely benign (4). 1 of the submissions does not count toward it. Last evaluated 2025-02-07.

Conditions:
Neuronal ceroid lipofuscinosis. Also called: Neuronal Ceroid Lipofuscinoses. Identifiers: Orphanet 216, Orphanet 79263, MedGen C0027877, MONDO:0016295. Disease mechanism: loss of function.
Neuronal ceroid lipofuscinosis 3 (CLN3). Identifiers: Orphanet 228346, MedGen C0751383, MONDO:0008767, OMIM 204200.

Allele frequency attached by ClinVar (database versions not stated): TOPMed 0.00002.

Submissions (6):

Labcorp Genetics (formerly Invitae), Labcorp
Classification: Likely benign for Neuronal ceroid lipofuscinosis. Last evaluated: 2025-02-07. Review status: criteria provided, single submitter. Criteria: Invitae Variant Classification Sherloc (09022015). Collection method: clinical testing. Allele origin: germline.

ARUP Laboratories, Molecular Genetics and Genomics, ARUP Laboratories
Classification: Likely benign for Neuronal ceroid lipofuscinosis 3. Last evaluated: 2024-04-03. Review status: criteria provided, single submitter. Criteria: ARUP Molecular Germline Variant Investigation Process 2024. Collection method: clinical testing. Allele origin: germline.

Genome-Nilou Lab
Classification: Likely benign for Neuronal ceroid lipofuscinosis 3. Last evaluated: 2021-08-10. Review status: criteria provided, single submitter. Criteria: ACMG Guidelines, 2015. Collection method: clinical testing. Allele origin: germline. Affected: no.

GeneDx
Classification: Likely benign. Last evaluated: 2018-06-06. Review status: criteria provided, single submitter. Criteria: GeneDx Variant Classification (06012015). Collection method: clinical testing. Allele origin: germline. Affected: yes.
Comment: This variant is considered likely benign or benign based on one or more of the following criteria: it is a conservative change, it occurs at a poorly conserved position in the protein, it is predicted to be benign by multiple in silico algorithms, and/or has population frequency not consistent with disease.

Eurofins Ntd Llc (ga)
Classification: Uncertain significance. Last evaluated: 2016-06-03. Review status: criteria provided, single submitter. Criteria: EGL Classification Definitions 2015. Collection method: clinical testing. Allele origin: germline. Observed: 1 variant allele, 1 heterozygote.

Natera, Inc.
Classification: Likely benign for Neuronal ceroid lipofuscinosis. Last evaluated: 2020-09-16. Review status: no assertion criteria provided. Collection method: clinical testing. Allele origin: germline. Not counted in ClinVar's aggregate classification.

NM_001042432.2(CLN3):c.537C>G (p.Ala179=)

Gene: CLN3 (CLN3 lysosomal/endosomal transmembrane protein, battenin; minus strand). Cytogenetic location: 16p12.1.
Variant type: single nucleotide variant.
Coding change: c.537C>G on transcript NM_001042432.2 (MANE Select); coding-DNA position 537, C replaced by G.
Protein change: p.Ala179=; no amino-acid change (alanine 179 retained).
Molecular consequence: synonymous variant.
Genome position (GRCh38, 1-based): chr16:28,486,487, G>C on the plus strand (C>G on the coding strand, the complement: CLN3 is on the minus strand). VCF-style: chr16-28486487-G-C. GRCh37 (hg19) VCF-style: chr16-28497808-G-C.
Other names: c.537C>G, p.Ala179= (NM_000086.2); c.465C>G, p.Ala155= (NM_001286104.2); c.237C>G, p.Ala79= (NM_001286105.2); c.303C>G, p.Ala101= (NM_001286109.2); c.375C>G, p.Ala125= (NM_001286110.2).
Identifiers: ClinVar variation 288316 (VCV000288316.20), dbSNP rs147667964, ClinGen allele CA10606047.